The following is an entry in ClinVar:

ClinVar aggregate classification (germline): Uncertain significance (1 of 4 stars; one submission).

Allele frequency attached by ClinVar (database versions not stated): ExAC 0.00004; gnomAD 0.00007 and 0.00009; TOPMed 0.00008.

Submissions (2):

Labcorp Genetics (formerly Invitae), Labcorp
Classification: Uncertain significance. Last evaluated: 2023-01-02. Review status: criteria provided, single submitter. Criteria: Invitae Variant Classification Sherloc (09022015). Collection method: clinical testing. Allele origin: germline.
Comment: This sequence change replaces arginine, which is basic and polar, with cysteine, which is neutral and slightly polar, at codon 448 of the LIPG protein (p.Arg448Cys). This variant is present in population databases (rs777816384, gnomAD 0.01%). This missense change has been observed in individual(s) with clinical features of dyslipidemia (PMID: 32041611). ClinVar contains an entry for this variant (Variation ID: 1423440). Algorithms developed to predict the effect of missense changes on protein structure and function (SIFT, PolyPhen-2, Align-GVGD) all suggest that this variant is likely to be disruptive. Algorithms developed to predict the effect of sequence changes on RNA splicing suggest that this variant may create or strengthen a splice site. In summary, the available evidence is currently insufficient to determine the role of this variant in disease. Therefore, it has been classified as a Variant of Uncertain Significance.

Dr. Peter K. Rogan Lab, Western University
No classification provided (evidence only). Condition: Colorectal cancer. Review status: no classification provided. Collection method: in vitro. Allele origin: not applicable. Functional consequence: retained intron. Not counted in ClinVar's aggregate classification.

Literature cited by the submitters: PubMed 32041611 (cited by Labcorp Genetics (formerly Invitae), Labcorp).

NM_006033.4(LIPG):c.1342C>T (p.Arg448Cys)

Gene: LIPG (lipase G, endothelial type; plus strand). Cytogenetic location: 18q21.1.
Variant type: single nucleotide variant.
Coding change: c.1342C>T on transcript NM_006033.4 (MANE Select); coding-DNA position 1342, C replaced by T.
Protein change: p.Arg448Cys; replaces arginine 448 with cysteine.
Molecular consequence: missense variant.
Genome position (GRCh38, 1-based): chr18:49,583,740, C>T. VCF-style: chr18-49583740-C-T. GRCh37 (hg19) VCF-style: chr18-47110110-C-T.
Other names: c.1120C>T, p.Arg374Cys (NM_001308006.2); short protein forms R374C, R448C.
Identifiers: ClinVar variation 1423440 (VCV001423440.7), dbSNP rs777816384, ClinGen allele CA8959362.